The following is an entry in ClinVar:

NM_201384.3(PLEC):c.4737G>C (p.Gln1579His)

Gene: PLEC (plectin; minus strand). Cytogenetic location: 8q24.3.
Variant type: single nucleotide variant.
Coding change: c.4737G>C on transcript NM_201384.3 (MANE Select); coding-DNA position 4737, G replaced by C.
Protein change: p.Gln1579His; replaces glutamine 1579 with histidine.
Molecular consequence: missense variant. On other transcripts: intron variant (1).
Genome position (GRCh38, 1-based): chr8:143,925,192, C>G on the plus strand (G>C on the coding strand, the complement: PLEC is on the minus strand). VCF-style: chr8-143925192-C-G. GRCh37 (hg19) VCF-style: chr8-144999360-C-G.
Other names: c.4818G>C (NM_000445.3); c.4818G>C, p.Gln1606His (NM_000445.5); c.4695G>C, p.Gln1565His (NM_201378.4); c.4671G>C, p.Gln1557His (NM_201379.3); c.5148G>C, p.Gln1716His (NM_201380.4); c.4641G>C, p.Gln1547His (NM_201381.3); c.4737G>C, p.Gln1579His (NM_201382.4); c.4749G>C, p.Gln1583His (NM_201383.3); and 1 more; short protein forms Q1557H, Q1716H, Q1579H, Q1547H, Q1565H, Q1606H, Q1583H.
Identifiers: ClinVar variation 4787628 (VCV004787628.2).

ClinVar aggregate classification (germline): Uncertain significance. Review status: criteria provided, multiple submitters, no conflicts (2 of 4 stars). 2 submissions from 2 submitters: Uncertain significance (2). Last evaluated 2026-09-02.

Conditions:
Inborn genetic diseases. Identifiers: MedGen C0950123, MeSH D030342.
Epidermolysis bullosa simplex with nail dystrophy (EBS5D). Identifiers: MedGen C4225309, MONDO:0014661, OMIM 616487.
Autosomal recessive limb-girdle muscular dystrophy type 2Q (LGMDR17). Also called: MUSCULAR DYSTROPHY, LIMB-GIRDLE, AUTOSOMAL RECESSIVE 17. Identifiers: Orphanet 254361, MedGen C3150989, MONDO:0013390, OMIM 613723.
Epidermolysis bullosa simplex 5B, with muscular dystrophy (EBS5B). Also called: EPIDERMOLYSIS BULLOSA SIMPLEX AND LIMB-GIRDLE MUSCULAR DYSTROPHY; Epidermolysis bullosa simplex with muscular dystrophy. Identifiers: Orphanet 257, MedGen C2931072, MONDO:0009181, OMIM 226670.
Epidermolysis bullosa simplex, Ogna type (EBS5A). Also called: Pidermolysis bullosa simplex 5A, Ogna type; EPIDERMOLYSIS BULLOSA SIMPLEX 5A, OGNA TYPE. Identifiers: Orphanet 79401, MedGen C0432317, MONDO:0007555, OMIM 131950.
Epidermolysis bullosa simplex 5C, with pyloric atresia (EBS5C). Also called: PLEC-Related Epidermolysis Bullosa with Pyloric Atresia; Epidermolysis bullosa simplex with pyloric atresia; PLEC1-Related Epidermolysis Bullosa with Pyloric Atresia. Identifiers: Orphanet 158684, MedGen C2677349, MONDO:0012807, OMIM 612138.

gnomAD v4.1: 1 of 1,583,270 alleles (0.000063%); highest among the groups gnomAD compares: Non-Finnish European, 0.000085%; no homozygotes.

Submissions (2):

Ambry Genetics
Classification: Uncertain significance for Inborn genetic diseases. Last evaluated: 2026-09-02. Review status: criteria provided, single submitter. Criteria: Ambry Variant Classification Scheme 2023. Collection method: clinical testing. Allele origin: germline.
Comment: The c.4818G>C (p.Q1606H) alteration is located in exon 32 (coding exon 31) of the PLEC gene. This alteration results from a G to C substitution at nucleotide position 4818, causing the glutamine (Q) at amino acid position 1606 to be replaced by a histidine (H). Based on data from gnomAD, the C allele has an overall frequency of <0.001% (1/198512) total alleles studied. The highest observed frequency was 0.001% (1/88154) of European (non-Finnish) alleles. Based on insufficient or conflicting evidence, the clinical significance of this alteration remains unclear.

Labcorp Genetics (formerly Invitae), Labcorp
Classification: Uncertain significance for Autosomal recessive limb-girdle muscular dystrophy type 2Q; Epidermolysis bullosa simplex, Ogna type; Epidermolysis bullosa simplex with nail dystrophy; Epidermolysis bullosa simplex 5C, with pyloric atresia; Epidermolysis bullosa simplex 5B, with muscular dystrophy. Last evaluated: 2026-01-17. Review status: criteria provided, single submitter. Criteria: Invitae Variant Classification Sherloc (09022015). Collection method: clinical testing. Allele origin: germline.
Comment: This sequence change replaces glutamine, which is neutral and polar, with histidine, which is basic and polar, at codon 1606 of the PLEC protein (p.Gln1606His). The frequency data for this variant in the population databases is considered unreliable, as metrics indicate poor data quality at this position in the gnomAD database. This variant has not been reported in the literature in individuals affected with PLEC-related conditions. Experimental studies and prediction algorithms are not available or were not evaluated, and the functional significance of this variant is currently unknown. In summary, the available evidence is currently insufficient to determine the role of this variant in disease. Therefore, it has been classified as a Variant of Uncertain Significance.